The following is an entry in ClinVar:

NM_006623.4(PHGDH):c.1379G>C (p.Arg460Pro)

Gene: PHGDH (phosphoglycerate dehydrogenase; plus strand). Cytogenetic location: 1p12.
Variant type: single nucleotide variant.
Coding change: c.1379G>C on transcript NM_006623.4 (MANE Select); coding-DNA position 1379, G replaced by C.
Protein change: p.Arg460Pro; replaces arginine 460 with proline.
Molecular consequence: missense variant.
Genome position (GRCh38, 1-based): chr1:119,742,976, G>C. VCF-style: chr1-119742976-G-C. GRCh37 (hg19) VCF-style: chr1-120285599-G-C.
Other names: short protein forms R460P.
Identifiers: ClinVar variation 1408350 (VCV001408350.3), dbSNP rs587696887, ClinGen allele CA30263593.
Genomic context (GRCh38, chr1:119,742,976, plus strand): 5'-GCACTACGCCTGTACTGCAGGGGCTCAATGGAGCTGTCTTCAGGCCAGAAGTGCCTCTCC[G>C]CAGGGACCTGCCCCTGCTCCTATTCCGGACTCAGACCTCTGACCCTGCAATGCTGCCTAC-3'
Protein context (NP_006614.2, residues 450-470): GAVFRPEVPL[Arg460Pro]RDLPLLLFRT

ClinVar aggregate classification (germline): Uncertain significance (1 of 4 stars; one submission).

Conditions:
PHGDH deficiency. Identifiers: Orphanet 79351, MedGen C1866174, MONDO:0011152, OMIM 601815.

gnomAD v4.1: 4 of 1,614,032 alleles (0.00025%); highest among the groups gnomAD compares: Admixed American, 0.0033%; no homozygotes.

Submission:

Labcorp Genetics (formerly Invitae), Labcorp
Classification: Uncertain significance for PHGDH deficiency. Last evaluated: 2022-08-10. Review status: criteria provided, single submitter. Criteria: Invitae Variant Classification Sherloc (09022015). Collection method: clinical testing. Allele origin: germline.
Comment: This sequence change replaces arginine, which is basic and polar, with proline, which is neutral and non-polar, at codon 460 of the PHGDH protein (p.Arg460Pro). This variant is present in population databases (no rsID available, gnomAD 0.004%). This variant has not been reported in the literature in individuals affected with PHGDH-related conditions. ClinVar contains an entry for this variant (Variation ID: 1408350). Algorithms developed to predict the effect of missense changes on protein structure and function (SIFT, PolyPhen-2, Align-GVGD) all suggest that this variant is likely to be tolerated. In summary, the available evidence is currently insufficient to determine the role of this variant in disease. Therefore, it has been classified as a Variant of Uncertain Significance.